The following is an entry in ClinVar:

NM_012062.5(DNM1L):c.542T>C (p.Ile181Thr)

Gene: DNM1L (dynamin 1 like; plus strand). Cytogenetic location: 12p11.21.
Variant type: single nucleotide variant.
Coding change: c.542T>C on transcript NM_012062.5 (MANE Select); coding-DNA position 542, T replaced by C.
Protein change: p.Ile181Thr; replaces isoleucine 181 with threonine.
Molecular consequence: missense variant. On other transcripts: intron variant (1).
Genome position (GRCh38, 1-based): chr12:32,713,294, T>C. VCF-style: chr12-32713294-T-C. GRCh37 (hg19) VCF-style: chr12-32866228-T-C.
Other names: c.542T>C, p.Ile181Thr (NM_001278463.2, NM_005690.5, NM_012063.4); c.581T>C, p.Ile194Thr (NM_001278464.2, NM_001278465.2, NM_001330380.2); c.131+5881T>C (NM_001278466.2); short protein forms I181T, I194T.
Identifiers: ClinVar variation 1695628 (VCV001695628.2), dbSNP rs2137373278, ClinGen allele CA384367602.

ClinVar aggregate classification (germline): Uncertain significance (1 of 4 stars; one submission).

Submission:

GeneDx
Classification: Uncertain significance. Last evaluated: 2022-01-10. Review status: criteria provided, single submitter. Criteria: GeneDx Variant Classification Process June 2021. Collection method: clinical testing. Allele origin: germline. Affected: yes.
Comment: Not observed at significant frequency in large population cohorts (gnomAD); In silico analysis supports that this missense variant has a deleterious effect on protein structure/function; Has not been previously published as pathogenic or benign to our knowledge